The following is an entry in ClinVar:

ClinVar aggregate classification (germline): Uncertain significance (1 of 4 stars; one submission).

Conditions:
Joubert syndrome 15 (JBTS15). Identifiers: Orphanet 475, MedGen C3280897, MONDO:0013763, OMIM 614464.

Submission:

Labcorp Genetics (formerly Invitae), Labcorp
Classification: Uncertain significance for Joubert syndrome 15. Last evaluated: 2025-03-17. Review status: criteria provided, single submitter. Criteria: Invitae Variant Classification Sherloc (09022015). Collection method: clinical testing. Allele origin: germline.
Comment: This sequence change replaces proline, which is neutral and non-polar, with serine, which is neutral and polar, at codon 371 of the CEP41 protein (p.Pro371Ser). This variant is not present in population databases (gnomAD no frequency). This variant has not been reported in the literature in individuals affected with CEP41-related conditions. ClinVar contains an entry for this variant (Variation ID: 1411761). Invitae Evidence Modeling of protein sequence and biophysical properties (such as structural, functional, and spatial information, amino acid conservation, physicochemical variation, residue mobility, and thermodynamic stability) indicates that this missense variant is not expected to disrupt CEP41 protein function with a negative predictive value of 80%. In summary, the available evidence is currently insufficient to determine the role of this variant in disease. Therefore, it has been classified as a Variant of Uncertain Significance.

NM_018718.3(CEP41):c.1111C>T (p.Pro371Ser)

Gene: CEP41 (centrosomal protein 41; minus strand). Cytogenetic location: 7q32.2.
Variant type: single nucleotide variant.
Coding change: c.1111C>T on transcript NM_018718.3 (MANE Select); coding-DNA position 1111, C replaced by T.
Protein change: p.Pro371Ser; replaces proline 371 with serine.
Molecular consequence: missense variant. On other transcripts: non-coding transcript variant (1).
Genome position (GRCh38, 1-based): chr7:130,398,902, G>A on the plus strand (C>T on the coding strand, the complement: CEP41 is on the minus strand). VCF-style: chr7-130398902-G-A. GRCh37 (hg19) VCF-style: chr7-130038743-G-A.
Other names: c.895C>T, p.Pro299Ser (NM_001257158.2); c.847C>T, p.Pro283Ser (NM_001257159.2); short protein forms P299S, P283S, P371S.
Identifiers: ClinVar variation 1411761 (VCV001411761.6), dbSNP rs782211413, ClinGen allele CA369286289.